The following is an entry in ClinVar:

ClinVar aggregate classification (germline): Uncertain significance. Review status: criteria provided, multiple submitters, no conflicts (2 of 4 stars). 2 submissions from 2 submitters: Uncertain significance (2). Last evaluated 2024-10-16.

Conditions:
Hereditary cancer-predisposing syndrome. Also called: Tumor predisposition; Hereditary neoplastic syndrome; Neoplastic Syndromes, Hereditary; Hereditary Cancer Syndrome. Identifiers: Orphanet 140162, MedGen C0027672, MeSH D009386, MONDO:0015356.
Cardiovascular phenotype. Identifiers: MedGen CN230736.
Neurofibromatosis, type 1 (NF1). Also called: Peripheral type neurofibromatosis; VON RECKLINGHAUSEN DISEASE; Neurofibromatosis, type I; NEUROFIBROMATOSIS, TYPE I, SOMATIC. Identifiers: Orphanet 636, MedGen C0027831, MONDO:0018975, OMIM 162200. Disease mechanism: loss of function.

Submissions (2):

Ambry Genetics
Classification: Uncertain significance for Cardiovascular phenotype; Hereditary cancer-predisposing syndrome. Last evaluated: 2024-10-16. Review status: criteria provided, single submitter. Criteria: Ambry Variant Classification Scheme 2023. Collection method: clinical testing. Allele origin: germline.
Comment: The p.L1979F variant (also known as c.5935C>T), located in coding exon 39 of the NF1 gene, results from a C to T substitution at nucleotide position 5935. The leucine at codon 1979 is replaced by phenylalanine, an amino acid with highly similar properties. This amino acid position is highly conserved in available vertebrate species. In addition, the in silico prediction for this alteration is inconclusive. Since supporting evidence is limited at this time, the clinical significance of this alteration remains unclear.

Labcorp Genetics (formerly Invitae), Labcorp
Classification: Uncertain significance for Neurofibromatosis, type 1. Last evaluated: 2020-10-03. Review status: criteria provided, single submitter. Criteria: Invitae Variant Classification Sherloc (09022015). Collection method: clinical testing. Allele origin: germline.
Comment: This sequence change replaces leucine with phenylalanine at codon 1979 of the NF1 protein (p.Leu1979Phe). The leucine residue is moderately conserved and there is a small physicochemical difference between leucine and phenylalanine. This variant is not present in population databases (ExAC no frequency). This variant has not been reported in the literature in individuals with NF1-related conditions. Algorithms developed to predict the effect of missense changes on protein structure and function are either unavailable or do not agree on the potential impact of this missense change (SIFT: "Deleterious"; PolyPhen-2: "Probably Damaging"; Align-GVGD: "Class C0"). In summary, the available evidence is currently insufficient to determine the role of this variant in disease. Therefore, it has been classified as a Variant of Uncertain Significance.

NM_001042492.3(NF1):c.5998C>T (p.Leu2000Phe)

Gene: NF1 (neurofibromin 1; plus strand). Cytogenetic location: 17q11.2.
Variant type: single nucleotide variant.
Coding change: c.5998C>T on transcript NM_001042492.3 (MANE Select); coding-DNA position 5998, C replaced by T.
Protein change: p.Leu2000Phe; replaces leucine 2000 with phenylalanine.
Molecular consequence: missense variant.
Genome position (GRCh38, 1-based): chr17:31,335,023, C>T. VCF-style: chr17-31335023-C-T. GRCh37 (hg19) VCF-style: chr17-29662041-C-T.
Other names: c.5935C>T, p.Leu1979Phe (NM_000267.4); short protein forms L1979F, L2000F.
Identifiers: ClinVar variation 938717 (VCV000938717.10), dbSNP rs1555534429, ClinGen allele CA399010966.